The following is an entry in ClinVar:

ClinVar aggregate classification (germline): Uncertain significance (1 of 4 stars; one submission).

Submission:

Labcorp Genetics (formerly Invitae), Labcorp
Classification: Uncertain significance. Last evaluated: 2022-04-15. Review status: criteria provided, single submitter. Criteria: Invitae Variant Classification Sherloc (09022015). Collection method: clinical testing. Allele origin: germline.
Comment: This variant has not been reported in the literature in individuals affected with GALNT3-related conditions. In summary, the available evidence is currently insufficient to determine the role of this variant in disease. Therefore, it has been classified as a Variant of Uncertain Significance. Algorithms developed to predict the effect of missense changes on protein structure and function are either unavailable or do not agree on the potential impact of this missense change (SIFT: "Deleterious"; PolyPhen-2: "Probably Damaging"; Align-GVGD: "Class C0"). This variant is not present in population databases (gnomAD no frequency). This sequence change replaces phenylalanine, which is neutral and non-polar, with leucine, which is neutral and non-polar, at codon 30 of the GALNT3 protein (p.Phe30Leu).

NM_004482.4(GALNT3):c.90T>A (p.Phe30Leu)

Gene: GALNT3 (polypeptide N-acetylgalactosaminyltransferase 3; minus strand). Cytogenetic location: 2q24.3.
Variant type: single nucleotide variant.
Coding change: c.90T>A on transcript NM_004482.4 (MANE Select); coding-DNA position 90, T replaced by A.
Protein change: p.Phe30Leu; replaces phenylalanine 30 with leucine.
Molecular consequence: missense variant.
Genome position (GRCh38, 1-based): chr2:165,770,611, A>T on the plus strand (T>A on the coding strand, the complement: GALNT3 is on the minus strand). VCF-style: chr2-165770611-A-T. GRCh37 (hg19) VCF-style: chr2-166627121-A-T.
Other names: short protein forms F30L.
Identifiers: ClinVar variation 2047449 (VCV002047449.4), dbSNP rs1213877892, ClinGen allele CA349044523.